The following is an entry in ClinVar:

ClinVar aggregate classification (germline): Uncertain significance (1 of 4 stars; one submission).

Submission:

GeneDx
Classification: Uncertain significance. Last evaluated: 2021-05-21. Review status: criteria provided, single submitter. Criteria: GeneDx Variant Classification Process June 2021. Collection method: clinical testing. Allele origin: germline. Affected: yes.
Comment: Not observed at a significant frequency in large population cohorts (Lek et al., 2016); In silico analysis supports that this missense variant has a deleterious effect on protein structure/function; Has not been previously published as pathogenic or benign to our knowledge

NM_017934.7(PHIP):c.56T>C (p.Ile19Thr)

Gene: PHIP (pleckstrin homology domain interacting protein; minus strand). Cytogenetic location: 6q14.1.
Variant type: single nucleotide variant.
Coding change: c.56T>C on transcript NM_017934.7 (MANE Select); coding-DNA position 56, T replaced by C.
Protein change: p.Ile19Thr; replaces isoleucine 19 with threonine.
Molecular consequence: missense variant.
Genome position (GRCh38, 1-based): chr6:79,077,898, A>G on the plus strand (T>C on the coding strand, the complement: PHIP is on the minus strand). VCF-style: chr6-79077898-A-G. GRCh37 (hg19) VCF-style: chr6-79787615-A-G.
Other names: short protein forms I19T.
Identifiers: ClinVar variation 1326816 (VCV001326816.2), dbSNP rs2127784922, ClinGen allele CA364652610.